The following is an entry in ClinVar:

NM_001042492.3(NF1):c.1496_1501del (p.Leu499_Ile500del)

Gene: NF1 (neurofibromin 1; plus strand). Cytogenetic location: 17q11.2.
Variant type: Deletion.
Coding change: c.1496_1501del on transcript NM_001042492.3 (MANE Select); coding-DNA positions 1496 to 1501, 6 bases deleted (TAATTC; older notation c.1496_1501delTAATTC).
Protein change: p.Leu499_Ile500del.
Molecular consequence: inframe deletion. On other transcripts: inframe indel (1).
Genome position (GRCh38, 1-based): chr17:31,214,554-31,214,559, TAATTC deleted; deleting any 6 consecutive bases within chr17:31,214,553-31,214,559 gives the same sequence; the c. name uses the placement nearest the transcript's 3' end. VCF-style (leftmost placement, unchanged base first): chr17-31214552-ACTAATT-A. GRCh37 (hg19) VCF-style: chr17-29541570-ACTAATT-A.
Other names: c.1496_1501delTAATTC, p.Leu499_Ile500del (NM_000267.4); c.1496_1501del, p.Leu499_Ile500del (NM_001128147.3).
Identifiers: ClinVar variation 2743412 (VCV002743412.3), dbSNP rs2544829739, ClinGen allele CA2697559680.

ClinVar aggregate classification (germline): Pathogenic (1 of 4 stars; one submission).

Conditions:
Neurofibromatosis, type 1 (NF1). Also called: Peripheral type neurofibromatosis; NEUROFIBROMATOSIS, TYPE I, SOMATIC; VON RECKLINGHAUSEN DISEASE; Neurofibromatosis, type I. Identifiers: Orphanet 636, MedGen C0027831, MONDO:0018975, OMIM 162200. Disease mechanism: loss of function.

Submission:

Labcorp Genetics (formerly Invitae), Labcorp
Classification: Pathogenic for Neurofibromatosis, type 1. Last evaluated: 2023-07-15. Review status: criteria provided, single submitter. Criteria: Invitae Variant Classification Sherloc (09022015). Collection method: clinical testing. Allele origin: germline.
Comment: This variant is not present in population databases (gnomAD no frequency). This variant, c.1496_1501del, results in the deletion of 2 amino acid(s) of the NF1 protein (p.Leu499_Ile500del), but otherwise preserves the integrity of the reading frame. For these reasons, this variant has been classified as Pathogenic. This variant disrupts a region of the NF1 protein in which other variant(s) (p.Leu499Pro) have been determined to be pathogenic (PMID: 26740943, 28529006; Invitae). This suggests that this is a clinically significant region of the protein, and that variants that disrupt it are likely to be disease-causing. This variant has not been reported in the literature in individuals affected with NF1-related conditions.

Literature cited by the submitters: PubMed 26740943; PubMed 28529006.